The following is an entry in ClinVar:

NM_001370259.2(MEN1):c.1799T>A (p.Leu600Gln)

Gene: MEN1 (menin 1; minus strand). Cytogenetic location: 11q13.1.
Variant type: single nucleotide variant.
Coding change: c.1799T>A on transcript NM_001370259.2 (MANE Select); coding-DNA position 1799, T replaced by A.
Protein change: p.Leu600Gln; replaces leucine 600 with glutamine.
Molecular consequence: missense variant. On other transcripts: non-coding transcript variant (4).
Genome position (GRCh38, 1-based): chr11:64,804,368, A>T on the plus strand (T>A on the coding strand, the complement: MEN1 is on the minus strand). VCF-style: chr11-64804368-A-T. GRCh37 (hg19) VCF-style: chr11-64571840-A-T.
Other names: c.1814T>A, p.Leu605Gln (NM_000244.4, NM_001407145.1, NM_130800.3 and 4 more transcripts); c.1925T>A, p.Leu642Gln (NM_001370251.2, NM_001407142.1, NM_001407143.1 and 1 more transcripts); c.1799T>A, p.Leu600Gln (NM_001370260.2, NM_001370261.2, NM_001407146.1 and 2 more transcripts); c.1694T>A, p.Leu565Gln (NM_001370262.2, NM_001370263.2, NM_001407148.1 and 1 more transcripts); c.1940T>A, p.Leu647Gln (NM_001407150.1); c.1820T>A, p.Leu607Gln (NM_001407151.1); c.1634T>A, p.Leu545Gln (NM_001407152.1); short protein forms L565Q, L607Q, L642Q, L545Q, L600Q, L647Q, L605Q.
Identifiers: ClinVar variation 4646485 (VCV004646485.1).

ClinVar aggregate classification (germline): Uncertain significance (1 of 4 stars; one submission).

Conditions:
Hereditary cancer-predisposing syndrome. Also called: Neoplastic Syndromes, Hereditary; Tumor predisposition; Hereditary Cancer Syndrome; Hereditary neoplastic syndrome. Identifiers: Orphanet 140162, MedGen C0027672, MeSH D009386, MONDO:0015356.

Submission:

Ambry Genetics
Classification: Uncertain significance for Hereditary cancer-predisposing syndrome. Last evaluated: 2025-11-09. Review status: criteria provided, single submitter. Criteria: Ambry Variant Classification Scheme 2023. Collection method: clinical testing. Allele origin: germline.
Comment: The p.L600Q variant (also known as c.1799T>A), located in coding exon 9 of the MEN1 gene, results from a T to A substitution at nucleotide position 1799. The leucine at codon 600 is replaced by glutamine, an amino acid with dissimilar properties. This amino acid position is conserved. In addition, the in silico prediction for this alteration is inconclusive. Based on the available evidence, the clinical significance of this variant remains unclear.